The following is an entry in ClinVar:

NM_000018.4(ACADVL):c.454G>A (p.Gly152Ser)

Gene: ACADVL (acyl-CoA dehydrogenase very long chain; plus strand). Cytogenetic location: 17p13.1.
Variant type: single nucleotide variant.
Coding change: c.454G>A on transcript NM_000018.4 (MANE Select); coding-DNA position 454, G replaced by A.
Protein change: p.Gly152Ser; replaces glycine 152 with serine.
Molecular consequence: missense variant.
Genome position (GRCh38, 1-based): chr17:7,221,035, G>A. VCF-style: chr17-7221035-G-A. GRCh37 (hg19) VCF-style: chr17-7124354-G-A.
Other names: c.388G>A, p.Gly130Ser (NM_001033859.3); c.523G>A, p.Gly175Ser (NM_001270447.2); c.226G>A, p.Gly76Ser (NM_001270448.2); c.454G>A (NM_000018.2); short protein forms G130S, G76S, G152S, G175S.
Identifiers: ClinVar variation 3719967 (VCV003719967.3).

ClinVar aggregate classification (germline): Likely pathogenic. Review status: criteria provided, multiple submitters, no conflicts (2 of 4 stars). 2 submissions from 2 submitters: Likely pathogenic (2). Last evaluated 2024-12-13.

Conditions:
Very long chain acyl-CoA dehydrogenase deficiency (ACADVLD). Also called: Very Long-Chain Acyl-Coenzyme A Dehydrogenase Deficiency; VLCAD Deficiency. Identifiers: Orphanet 26793, MedGen C3887523, MONDO:0008723, OMIM 201475.

Submissions (2):

GeneDx
Classification: Likely pathogenic. Last evaluated: 2024-12-13. Review status: criteria provided, single submitter. Criteria: GeneDx Variant Classification Process June 2021. Collection method: clinical testing. Allele origin: germline. Affected: yes.
Comment: Not observed at significant frequency in large population cohorts (gnomAD); In silico analysis supports that this missense variant has a deleterious effect on protein structure/function; Also known as p.(G175S); This variant is associated with the following publications: (PMID: 22841441, 31844625, 35400565, 37626534)

Labcorp Genetics (formerly Invitae), Labcorp
Classification: Likely pathogenic for Very long chain acyl-CoA dehydrogenase deficiency. Last evaluated: 2024-10-12. Review status: criteria provided, single submitter. Criteria: Invitae Variant Classification Sherloc (09022015). Collection method: clinical testing. Allele origin: germline.
Comment: This sequence change replaces glycine, which is neutral and non-polar, with serine, which is neutral and polar, at codon 152 of the ACADVL protein (p.Gly152Ser). This variant is not present in population databases (gnomAD no frequency). This missense change has been observed in individual(s) with ACADVL-related conditions (PMID: 22841441, 35400565). Invitae Evidence Modeling of protein sequence and biophysical properties (such as structural, functional, and spatial information, amino acid conservation, physicochemical variation, residue mobility, and thermodynamic stability) indicates that this missense variant is expected to disrupt ACADVL protein function with a positive predictive value of 80%. This variant disrupts the p.Gly152 amino acid residue in ACADVL. Other variant(s) that disrupt this residue have been determined to be pathogenic (PMID: 19327992). This suggests that this residue is clinically significant, and that variants that disrupt this residue are likely to be disease-causing. In summary, the currently available evidence indicates that the variant is pathogenic, but additional data are needed to prove that conclusively. Therefore, this variant has been classified as Likely Pathogenic.

Literature cited by the submitters: PubMed 22841441 (cited by Labcorp Genetics (formerly Invitae), Labcorp); PubMed 35400565 (cited by Labcorp Genetics (formerly Invitae), Labcorp); PubMed 19327992 (cited by Labcorp Genetics (formerly Invitae), Labcorp).